The following is an entry in ClinVar:

NM_000539.3(RHO):c.554G>A (p.Cys185Tyr)

Gene: RHO (rhodopsin; plus strand). Cytogenetic location: 3q22.1.
Variant type: single nucleotide variant.
Coding change: c.554G>A on transcript NM_000539.3 (MANE Select); coding-DNA position 554, G replaced by A.
Protein change: p.Cys185Tyr; replaces cysteine 185 with tyrosine.
Molecular consequence: missense variant.
Genome position (GRCh38, 1-based): chr3:129,532,274, G>A. VCF-style: chr3-129532274-G-A. GRCh37 (hg19) VCF-style: chr3-129251117-G-A.
Other names: short protein forms C185Y.
Identifiers: ClinVar variation 1939151 (VCV001939151.5), dbSNP rs2533026669, ClinGen allele CA354499204.

ClinVar aggregate classification (germline): Uncertain significance (1 of 4 stars; one submission).

Submission:

Labcorp Genetics (formerly Invitae), Labcorp
Classification: Uncertain significance. Last evaluated: 2022-10-17. Review status: criteria provided, single submitter. Criteria: Invitae Variant Classification Sherloc (09022015). Collection method: clinical testing. Allele origin: germline.
Comment: In summary, the available evidence is currently insufficient to determine the role of this variant in disease. Therefore, it has been classified as a Variant of Uncertain Significance. This variant disrupts the p.Cys185 amino acid residue in RHO. Other variant(s) that disrupt this residue have been determined to be pathogenic (PMID: 11139241, 22956602, 30977563, 33576794). This suggests that this residue is clinically significant, and that variants that disrupt this residue are likely to be disease-causing. Advanced modeling of protein sequence and biophysical properties (such as structural, functional, and spatial information, amino acid conservation, physicochemical variation, residue mobility, and thermodynamic stability) performed at Invitae indicates that this missense variant is expected to disrupt RHO protein function. This variant has not been reported in the literature in individuals affected with RHO-related conditions. This variant is not present in population databases (gnomAD no frequency). This sequence change replaces cysteine, which is neutral and slightly polar, with tyrosine, which is neutral and polar, at codon 185 of the RHO protein (p.Cys185Tyr).

Literature cited by the submitters: PubMed 11139241; PubMed 22956602; PubMed 30977563; PubMed 33576794.